The following is an entry in ClinVar:

NM_021942.6(TRAPPC11):c.2678A>G (p.Lys893Arg)

Gene: TRAPPC11 (trafficking protein particle complex subunit 11; plus strand). Cytogenetic location: 4q35.1.
Variant type: single nucleotide variant.
Coding change: c.2678A>G on transcript NM_021942.6 (MANE Select); coding-DNA position 2678, A replaced by G.
Protein change: p.Lys893Arg; replaces lysine 893 with arginine.
Molecular consequence: missense variant.
Genome position (GRCh38, 1-based): chr4:183,697,552, A>G. VCF-style: chr4-183697552-A-G. GRCh37 (hg19) VCF-style: chr4-184618705-A-G.
Other names: c.2678A>G, p.Lys893Arg (NM_199053.3); c.2678A>G (NM_021942.4); short protein forms K893R.
Identifiers: ClinVar variation 579362 (VCV000579362.12), dbSNP rs759008736, ClinGen allele CA3152274.
Genomic context (GRCh38, chr4:183,697,552, plus strand): 5'-TTTTCTTGCAGGATGAAACTGTAACAATTGAAACAGTCTTTCCATTTGATGTTGCGGTTA[A>G]ATTTGTTTCTACCAAGGTATGTTTCTTTGAGGCATACTAGAAATCATTTAGGTTATAAAA-3'
Protein context (NP_068761.4, residues 883-903): ETVFPFDVAV[Lys893Arg]FVSTKFEHLE

ClinVar aggregate classification (germline): Uncertain significance. Review status: criteria provided, multiple submitters, no conflicts (2 of 4 stars). 2 submissions from 2 submitters: Uncertain significance (2). Last evaluated 2024-12-09.

Conditions:
Autosomal recessive limb-girdle muscular dystrophy type R18 (LGMDR18). Also called: MUSCULAR DYSTROPHY, LIMB-GIRDLE, AUTOSOMAL RECESSIVE 18; Autosomal recessive limb-girdle muscular dystrophy type 2S; Limb-girdle muscular dystrophy, type 2S. Identifiers: Orphanet 369840, MedGen C4517996, MONDO:0014144, OMIM 615356.
Inborn genetic diseases. Identifiers: MedGen C0950123, MeSH D030342.

Allele frequency attached by ClinVar (database versions not stated): ExAC 0.00001; gnomAD 0.00001; gnomAD exomes 0.00001; TOPMed 0.00001.
gnomAD v4.1: 30 of 1,603,608 alleles (0.0019%); highest among the groups gnomAD compares: Non-Finnish European, 0.0022%; no homozygotes.

Submissions (2):

Labcorp Genetics (formerly Invitae), Labcorp
Classification: Uncertain significance for Autosomal recessive limb-girdle muscular dystrophy type R18. Last evaluated: 2024-12-09. Review status: criteria provided, single submitter. Criteria: Invitae Variant Classification Sherloc (09022015). Collection method: clinical testing. Allele origin: germline.
Comment: This sequence change replaces lysine, which is basic and polar, with arginine, which is basic and polar, at codon 893 of the TRAPPC11 protein (p.Lys893Arg). This variant is present in population databases (rs759008736, gnomAD 0.002%). This variant has not been reported in the literature in individuals affected with TRAPPC11-related conditions. ClinVar contains an entry for this variant (Variation ID: 579362). Invitae Evidence Modeling of protein sequence and biophysical properties (such as structural, functional, and spatial information, amino acid conservation, physicochemical variation, residue mobility, and thermodynamic stability) indicates that this missense variant is not expected to disrupt TRAPPC11 protein function with a negative predictive value of 80%. In summary, the available evidence is currently insufficient to determine the role of this variant in disease. Therefore, it has been classified as a Variant of Uncertain Significance.

Ambry Genetics
Classification: Uncertain significance for Inborn genetic diseases. Last evaluated: 2022-10-26. Review status: criteria provided, single submitter. Criteria: Ambry Variant Classification Scheme 2023. Collection method: clinical testing. Allele origin: germline.